The following is an entry in ClinVar:

NM_138409.4(MRAP2):c.227+5G>A

Gene: MRAP2 (melanocortin 2 receptor accessory protein 2; plus strand). Cytogenetic location: 6q14.2.
Variant type: single nucleotide variant.
Coding change: c.227+5G>A on transcript NM_138409.4 (MANE Select); 5 bases into the intron after coding-DNA position 227, G replaced by A.
Molecular consequence: intron variant.
Genome position (GRCh38, 1-based): chr6:84,062,997, G>A. VCF-style: chr6-84062997-G-A. GRCh37 (hg19) VCF-style: chr6-84772716-G-A.
Other names: c.227+5G>A (NM_001346542.2, NM_001346544.2); c.-33+5G>A (NM_001346543.2); c.-32+7552G>A (NM_001346541.2).
Identifiers: ClinVar variation 5001227 (VCV005001227.1).
Genomic context (GRCh38, chr6:84,062,997, plus strand): 5'-ATTTTTATGTTTTTTGTGCTGACCTTGCTGACCAAGACAGGAGCCCCACACCAAGAGTAA[G>A]TTTGGGCTGTTCCTAAATGTCTCTTAAGCCTCACAGGAGACTGAGGAAATAGAAACTACT-3'

ClinVar aggregate classification (germline): Uncertain significance (1 of 4 stars; one submission).

Conditions:
MRAP2-related disorder. Also called: MRAP2-related condition.

Submission:

PreventionGenetics, part of Exact Sciences
Classification: Uncertain significance for MRAP2-related condition. Last evaluated: 2025-07-02. Review status: criteria provided, single submitter. Criteria: ACMG Guidelines, 2015. Collection method: clinical testing. Allele origin: germline.
Comment: The MRAP2 c.227+5G>A variant is predicted to interfere with splicing. This variant is predicted to alter splicing based on available splicing prediction programs (SpliceAI, Jaganathan et al. 2019. PubMed ID: 30661751). To our knowledge, this variant has not been reported in the literature or in a large population database (gnomAD), indicating this variant is rare. At this time, the clinical significance of this variant is uncertain due to the absence of conclusive functional and genetic evidence.